The following is an entry in ClinVar:

NM_000202.8(IDS):c.323A>G (p.Tyr108Cys)

Gene: IDS (iduronate 2-sulfatase; minus strand). Cytogenetic location: Xq28.
Variant type: single nucleotide variant.
Coding change: c.323A>G on transcript NM_000202.8 (MANE Select); coding-DNA position 323, A replaced by G.
Protein change: p.Tyr108Cys; replaces tyrosine 108 with cysteine.
Molecular consequence: missense variant. On other transcripts: non-coding transcript variant (1).
Genome position (GRCh38, 1-based): chrX:149,503,407, T>C on the plus strand (A>G on the coding strand, the complement: IDS is on the minus strand). VCF-style: chrX-149503407-T-C. GRCh37 (hg19) VCF-style: chrX-148584937-T-C.
Other names: c.53A>G, p.Tyr18Cys (NM_001166550.4); c.323A>G, p.Tyr108Cys (NM_006123.5); short protein forms Y108C, Y18C.
Identifiers: ClinVar variation 3255667 (VCV003255667.3).

ClinVar aggregate classification (germline): Likely pathogenic. Review status: criteria provided, multiple submitters, no conflicts (2 of 4 stars). 2 submissions from 2 submitters: Likely pathogenic (2). Last evaluated 2025-08-20.

Conditions:
Mucopolysaccharidosis, MPS-II (MPS2). Also called: Hunter Syndrome; IDURONATE 2-SULFATASE DEFICIENCY; Mucopolysaccharidosis Type II; Mucopolysaccharidosis type 2; Attenuated MPS (subtype; formerly known as mild MPS II); Severe MPS II. Identifiers: Orphanet 580, Orphanet 79388, MedGen C0026705, MONDO:0010674, OMIM 309900.

Submissions (2):

Institute of Human Genetics, University of Leipzig Medical Center
Classification: Likely pathogenic for Mucopolysaccharidosis, MPS-II. Last evaluated: 2025-08-20. Review status: criteria provided, single submitter. Criteria: ACMG Guidelines, 2015. Collection method: clinical testing. Allele origin: unknown. Inheritance: X-linked recessive inheritance. Affected: yes.
Comment: Criteria applied: PM1,PM2,PM5,PP3,PS4_SUP

Laboratory of Diagnosis and Therapy of Lysosomal Disorders, University of Padova
Classification: Likely pathogenic for Mucopolysaccharidosis, MPS-II. Last evaluated: 2024-06-07. Review status: criteria provided, single submitter. Criteria: ACMG Guidelines, 2015. Collection method: literature only. Allele origin: germline. Affected: yes. Observed: 1 variant allele.
Comment: Absent from controls (or at low frequency) in gnomAD database (PM2_Moderate), Missense variant in a gene with a low rate of benign missense variation (PP2_Supporting), Multiple lines of computational evidence support a deleterious effect (PP3_Supporting), Patient’s phenotype or family history highly specific for the disease (PP4_Strong)

Classification method: ACMG Guidelines [PMID:25741868] with modifications

Literature cited by the submitters: PubMed 8940265 (cited by Laboratory of Diagnosis and Therapy of Lysosomal Disorders, University of Padova).